The following is an entry in ClinVar:

NC_000007.13:g.(?_26232136)_(26240197_?)dup

Gene: HNRNPA2B1 (heterogeneous nuclear ribonucleoprotein A2/B1; minus strand). Cytogenetic location: 7p15.2.
Variant type: Duplication.
Identifiers: ClinVar variation 1445121 (VCV001445121.5).

ClinVar aggregate classification (germline): Uncertain significance (1 of 4 stars; one submission).

Conditions:
Inclusion body myopathy with early-onset Paget disease with or without frontotemporal dementia 2 (IBMPFD2). Also called: MULTISYSTEM PROTEINOPATHY 2. Identifiers: MedGen C3809468, MONDO:0014178, OMIM 615422.

Submission:

Labcorp Genetics (formerly Invitae), Labcorp
Classification: Uncertain significance for Inclusion body myopathy with early-onset Paget disease with or without frontotemporal dementia 2. Last evaluated: 2024-01-30. Review status: criteria provided, single submitter. Criteria: Invitae Variant Classification Sherloc (09022015). Collection method: clinical testing. Allele origin: germline.
Comment: A copy number gain of the genomic region encompassing the full coding sequence of the HNRNPA2B1 gene has been identified. The boundaries of this event are unknown as they extend beyond the assayed region for this gene and therefore may encompass additional genes. As the precise location of this event is unknown, it may be in tandem or it may be located elsewhere in the genome. This variant has not been reported in the literature in individuals affected with HNRNPA2B1-related conditions. In summary, the available evidence is currently insufficient to determine the role of this variant in disease. Therefore, it has been classified as a Variant of Uncertain Significance.